The following is an entry in ClinVar:

NM_001369268.1(ACAN):c.1349del (p.Leu450fs)

Gene: ACAN (aggrecan; plus strand). Cytogenetic location: 15q26.1.
Variant type: Deletion.
Coding change: c.1349del on transcript NM_001369268.1 (MANE Select); coding-DNA position 1349, one base deleted (T; older notation c.1349delT).
Protein change: p.Leu450fs; shifts the reading frame from leucine 450.
Molecular consequence: frameshift variant.
Genome position (GRCh38, 1-based): chr15:88,845,802, T deleted. VCF-style (leftmost placement, unchanged base first): chr15-88845801-CT-C. GRCh37 (hg19) VCF-style: chr15-89389032-CT-C.
Other names: c.1349del, p.Leu450fs (NM_001135.4, NM_013227.4); c.1349delT, p.Leu450Argfs (NM_001411096.1, NM_001411097.1); short protein forms L450fs.
Identifiers: ClinVar variation 2050442 (VCV002050442.4), dbSNP rs2505263453, ClinGen allele CA2580090450.
Genomic context (GRCh38, chr15:88,845,801, plus strand): 5'-GCTGAGGTTGAGAATGAGACTGGAGAGGCCACCAGGCCCTGGGGCTTTCCCACACCTGGC[CT>C]GGGCCCTGCCACGGCATTCACCAGTGAGGACCTCGTCGTGCAGGTGACCGCTGTCCCTGG-3'

ClinVar aggregate classification (germline): Pathogenic (1 of 4 stars; one submission).

Submission:

Labcorp Genetics (formerly Invitae), Labcorp
Classification: Pathogenic. Last evaluated: 2022-03-13. Review status: criteria provided, single submitter. Criteria: Invitae Variant Classification Sherloc (09022015). Collection method: clinical testing. Allele origin: germline.
Comment: For these reasons, this variant has been classified as Pathogenic. This variant has not been reported in the literature in individuals affected with ACAN-related conditions. This variant is not present in population databases (gnomAD no frequency). This sequence change creates a premature translational stop signal (p.Leu450Argfs*16) in the ACAN gene. It is expected to result in an absent or disrupted protein product. Loss-of-function variants in ACAN are known to be pathogenic (PMID: 16080123, 24762113).

Literature cited by the submitters: PubMed 16080123; PubMed 24762113.